The following is an entry in ClinVar:

ClinVar aggregate classification (germline): Conflicting classifications of pathogenicity. Review status: criteria provided, conflicting classifications (1 of 4 stars). 3 submissions from 3 submitters: Likely pathogenic (2); Uncertain significance (1). Last evaluated 2026-09-18.

Conditions:
Growth delay due to insulin-like growth factor I resistance. Also called: Insulin-Like Growth Factor I Resistance; Somatomedin end-organ insensitivity to; Somatomedin-c resistance to; IGF-1 resistance; IGF-I RESISTANCE. Identifiers: Orphanet 73273, MedGen C1849157, MONDO:0010038, OMIM 270450.
Paediatric disorders.

gnomAD v4.1: 3 of 1,614,174 alleles (0.00019%); highest among the groups gnomAD compares: Admixed American, 0.0033%; no homozygotes.

Submissions (5):

North West Genomic Laboratory Hub, Manchester University NHS Foundation Trust
Classification: Likely pathogenic for Paediatric disorders. Last evaluated: 2026-09-18. Review status: criteria provided, single submitter. Criteria: ACGS Best Practice Guidelines for Variant Classification in Rare Disease 2024. Collection method: clinical testing. Allele origin: germline. Affected: yes.
Comment: PVS1_Str PS4_Supp PM2_Mod

GeneDx
Classification: Uncertain significance. Last evaluated: 2024-03-06. Review status: criteria provided, single submitter. Criteria: GeneDx Variant Classification Process June 2021. Collection method: clinical testing. Allele origin: germline. Affected: yes.
Comment: Canonical splice site variant predicted to result in a null allele in a gene for which loss of function is a known mechanism of disease; Identified in an individual with childhood-onset schizophrenia, however, this variant was inherited from an unaffected parent (PMID: 36645932); This variant is associated with the following publications: (PMID: 36645932)

Juno Genomics, Hangzhou Juno Genomics, Inc
Classification: Likely pathogenic for Growth delay due to insulin-like growth factor I resistance. Review status: criteria provided, single submitter. Criteria: ACMG Guidelines, 2015. Collection method: clinical testing. Allele origin: germline.
Comment: Absent from controls (or at extremely low frequency if recessive) in Genome Aggregation Database.;Null variant in a gene where loss of function (LOF) is a known mechanism of disease.

Dr. Peter K. Rogan Lab, Western University
No classification provided (evidence only). Condition: Nonpapillary renal cell carcinoma. Review status: no classification provided. Collection method: in vitro. Allele origin: not applicable. Functional consequence: retained intron. Not counted in ClinVar's aggregate classification.

Dr. Peter K. Rogan Lab, Western University
No classification provided (evidence only). Condition: Pancreatic adenocarcinoma. Review status: no classification provided. Collection method: in vitro. Allele origin: not applicable. Functional consequence: retained intron. Not counted in ClinVar's aggregate classification.

NM_000875.5(IGF1R):c.1589+1G>A

Gene: IGF1R (insulin like growth factor 1 receptor; plus strand). Cytogenetic location: 15q26.3.
Variant type: single nucleotide variant.
Coding change: c.1589+1G>A on transcript NM_000875.5 (MANE Select); the canonical splice donor site of the intron after coding-DNA position 1589, G replaced by A.
Molecular consequence: splice donor variant.
Genome position (GRCh38, 1-based): chr15:98,911,442, G>A. VCF-style: chr15-98911442-G-A. GRCh37 (hg19) VCF-style: chr15-99454671-G-A.
Other names: NC_000015.9:g.99454671G>A; c.1589+1G>A (NM_001291858.2).
Identifiers: ClinVar variation 3343886 (VCV003343886.5).